The following is an entry in ClinVar:

ClinVar aggregate classification (germline): Uncertain significance (1 of 4 stars; one submission).

Conditions:
PLXNA2-related disorder. Also called: PLXNA2-related condition.

gnomAD v4.1: 5 of 1,613,960 alleles (0.00031%); highest among the groups gnomAD compares: East Asian, 0.0022%; no homozygotes.

Submission:

PreventionGenetics, part of Exact Sciences
Classification: Uncertain significance for PLXNA2-related condition. Last evaluated: 2026-03-09. Review status: criteria provided, single submitter. Criteria: ACMG Guidelines, 2015. Collection method: clinical testing. Allele origin: germline.
Comment: The PLXNA2 c.5300C>T variant is predicted to result in the amino acid substitution p.Thr1767Met. To our knowledge, this variant has not been reported in the literature or in a large population database, indicating this variant is rare. At this time, the clinical significance of this variant is uncertain due to the absence of conclusive functional and genetic evidence.

NM_025179.4(PLXNA2):c.5300C>T (p.Thr1767Met)

Gene: PLXNA2 (plexin A2; minus strand). Cytogenetic location: 1q32.2.
Variant type: single nucleotide variant.
Coding change: c.5300C>T on transcript NM_025179.4 (MANE Select); coding-DNA position 5300, C replaced by T.
Protein change: p.Thr1767Met; replaces threonine 1767 with methionine.
Molecular consequence: missense variant.
Genome position (GRCh38, 1-based): chr1:208,028,968, G>A on the plus strand (C>T on the coding strand, the complement: PLXNA2 is on the minus strand). VCF-style: chr1-208028968-G-A. GRCh37 (hg19) VCF-style: chr1-208202313-G-A.
Other names: short protein forms T1767M.
Identifiers: ClinVar variation 3357910 (VCV003357910.2).
Genomic context (GRCh38, chr1:208,028,968, plus strand): 5'-TGCTCTGACGTTGAACAAGAGTCCATGAAGGTCTGGGCCACCACAGAGAGGCAGGCGTCC[G>A]TGATGCTGCCCTTGTGGATGTCAAACACGAACTGGGGGTTCTTAATCACGTTCACCCAGA-3'
Protein context (NP_079455.3, residues 1757-1777): FVFDIHKGSI[Thr1767Met]DACLSVVAQT